The following is an entry in ClinVar:

NM_031924.8(RSPH3):c.940C>T (p.Leu314Phe)

Gene: RSPH3 (radial spoke head 3; minus strand). Cytogenetic location: 6q25.3.
Variant type: single nucleotide variant.
Coding change: c.940C>T on transcript NM_031924.8 (MANE Select); coding-DNA position 940, C replaced by T.
Protein change: p.Leu314Phe; replaces leucine 314 with phenylalanine.
Molecular consequence: missense variant. On other transcripts: non-coding transcript variant (1).
Genome position (GRCh38, 1-based): chr6:158,978,266, G>A on the plus strand (C>T on the coding strand, the complement: RSPH3 is on the minus strand). VCF-style: chr6-158978266-G-A. GRCh37 (hg19) VCF-style: chr6-159399298-G-A.
Other names: c.1078C>T, p.Leu360Phe (NM_001346418.1); short protein forms L360F, L314F.
Identifiers: ClinVar variation 567706 (VCV000567706.8), dbSNP rs1562558137, ClinGen allele CA366279199.
Genomic context (GRCh38, chr6:158,978,266, plus strand): 5'-TTTATTCTTTCTACTAAAAACTTTAGAGATGAATTTTTGGATAAAATAACTTACTGTCAA[G>A]CACTGTTCTTCCCACCATGCTATATTCCATGGTTTTTTCAACTTCATTCATTAGCCATGG-3'
Protein context (NP_114130.4, residues 304-324): MEYSMVGRTV[Leu314Phe]DMLIREVVEK

ClinVar aggregate classification (germline): Uncertain significance. Review status: criteria provided, multiple submitters, no conflicts (2 of 4 stars). 2 submissions from 2 submitters: Uncertain significance (2). Last evaluated 2026-01-01.

Conditions:
Inborn genetic diseases. Identifiers: MedGen C0950123, MeSH D030342.
Primary ciliary dyskinesia 32. Also called: CILIARY DYSKINESIA, PRIMARY, 32, WITHOUT SITUS INVERSUS. Identifiers: Orphanet 244, MedGen C4225311, MONDO:0014657, OMIM 616481.

Allele frequency attached by ClinVar (database versions not stated): TOPMed below 0.00001.

Submissions (2):

Labcorp Genetics (formerly Invitae), Labcorp
Classification: Uncertain significance for Primary ciliary dyskinesia 32. Last evaluated: 2026-01-01. Review status: criteria provided, single submitter. Criteria: Invitae Variant Classification Sherloc (09022015). Collection method: clinical testing. Allele origin: germline.
Comment: This sequence change replaces leucine, which is neutral and non-polar, with phenylalanine, which is neutral and non-polar, at codon 456 of the RSPH3 protein (p.Leu456Phe). This variant is not present in population databases (gnomAD no frequency). This variant has not been reported in the literature in individuals affected with RSPH3-related conditions. ClinVar contains an entry for this variant (Variation ID: 567706). An algorithm developed to predict the effect of missense changes on protein structure and function (PolyPhen-2) suggests that this variant is likely to be disruptive. In summary, the available evidence is currently insufficient to determine the role of this variant in disease. Therefore, it has been classified as a Variant of Uncertain Significance.

Ambry Genetics
Classification: Uncertain significance for Inborn genetic diseases. Last evaluated: 2025-03-18. Review status: criteria provided, single submitter. Criteria: Ambry Variant Classification Scheme 2023. Collection method: clinical testing. Allele origin: germline.